The following is an entry in ClinVar:

ClinVar aggregate classification (germline): Benign/Likely benign. Review status: criteria provided, multiple submitters, no conflicts (2 of 4 stars). 3 submissions from 3 submitters: Benign (2); Likely benign (1). Last evaluated 2023-02-01.

Allele frequency attached by ClinVar (database versions not stated): 1000 Genomes Project 0.00339; 1000 Genomes Project 30x 0.00422; TOPMed 0.00577; gnomAD exomes 0.00645 and 0.00815; ExAC 0.00650; gnomAD 0.00650 and 0.00668; ESP Exome Variant Server 0.00692.

Submissions (3):

CeGaT Center for Human Genetics Tuebingen
Classification: Likely benign. Last evaluated: 2023-02-01. Review status: criteria provided, single submitter. Criteria: CeGaT Center For Human Genetics Tuebingen Variant Classification Criteria Version 2. Collection method: clinical testing. Allele origin: germline. Affected: yes. Observed: 2 variant alleles.
Comment: AOC3: BP4, BS2

Labcorp Genetics (formerly Invitae), Labcorp
Classification: Benign. Last evaluated: 2018-07-31. Review status: criteria provided, single submitter. Criteria: Invitae Variant Classification Sherloc (09022015). Collection method: clinical testing. Allele origin: germline.

Breakthrough Genomics
Classification: Benign. Review status: criteria provided, single submitter. Criteria: ACMG Guidelines, 2015. Collection method: not provided. Allele origin: germline. Inheritance: Unknown mechanism. Affected: yes.

NM_003734.4(AOC3):c.986G>A (p.Arg329Gln)

Gene: AOC3 (amine oxidase copper containing 3; plus strand). Cytogenetic location: 17q21.31.
Variant type: single nucleotide variant.
Coding change: c.986G>A on transcript NM_003734.4 (MANE Select); coding-DNA position 986, G replaced by A.
Protein change: p.Arg329Gln; replaces arginine 329 with glutamine.
Molecular consequence: missense variant. On other transcripts: non-coding transcript variant (1).
Genome position (GRCh38, 1-based): chr17:42,852,329, G>A. VCF-style: chr17-42852329-G-A. GRCh37 (hg19) VCF-style: chr17-41004346-G-A.
Other names: c.986G>A, p.Arg329Gln (NM_001277731.2); short protein forms R329Q.
Identifiers: ClinVar variation 717753 (VCV000717753.28), dbSNP rs2229595, ClinGen allele CA8586795.